The following is an entry in ClinVar:

NM_001035.3(RYR2):c.1614G>A (p.Ala538=)

Gene: RYR2 (ryanodine receptor 2; plus strand). Cytogenetic location: 1q43.
Variant type: single nucleotide variant.
Coding change: c.1614G>A on transcript NM_001035.3 (MANE Select); coding-DNA position 1614, G replaced by A.
Protein change: p.Ala538=; no amino-acid change (alanine 538 retained).
Molecular consequence: synonymous variant.
Genome position (GRCh38, 1-based): chr1:237,469,093, G>A. VCF-style: chr1-237469093-G-A. GRCh37 (hg19) VCF-style: chr1-237632393-G-A.
Other names: c.1614G>A, p.Ala538= (LRG_402t1).
Identifiers: ClinVar variation 201218 (VCV000201218.23), dbSNP rs566885717, ClinGen allele CA008528.
Genomic context (GRCh38, chr1:237,469,093, plus strand): 5'-TATCTCAATTTTCGAGCTAGAAAATCACATAAAGGTGAAATCTATTTCTTCTTTTGCAGC[G>A]GCTCTAATTAGAGGAAATCGTAAAAACTGTGCTCAATTTTCTGGCTCCCTCGACTGGTTG-3'
Protein context (NP_001026.2, residues 528-548): SILNSLYELL[Ala538=]ALIRGNRKNC

ClinVar aggregate classification (germline): Conflicting classifications of pathogenicity. Review status: criteria provided, conflicting classifications (1 of 4 stars). 6 submissions from 6 submitters: Uncertain significance (5); Likely benign (1). Last evaluated 2025-12-23.

Conditions:
Cardiovascular phenotype. Identifiers: MedGen CN230736.
Catecholaminergic polymorphic ventricular tachycardia (CVPT). Also called: Catecholamine-induced polymorphic ventricular tachycardia. Identifiers: Orphanet 3286, MedGen C5574922, MONDO:0017990.
Cardiomyopathy (CMYO). Also called: Cardiomyopathies. Identifiers: Orphanet 167848, MedGen C0878544, MONDO:0004994, HP:0001638. Inheritance: Various modes of inheritance.
Catecholaminergic polymorphic ventricular tachycardia 1. Also called: RYR2-Related Catecholaminergic Polymorphic Ventricular Tachycardia; VENTRICULAR TACHYCARDIA, CATECHOLAMINERGIC POLYMORPHIC, 1, WITH OR WITHOUT ATRIAL DYSFUNCTION AND/OR DILATED CARDIOMYOPATHY; VENTRICULAR TACHYCARDIA, STRESS-INDUCED POLYMORPHIC 1. Identifiers: Orphanet 3286, MedGen C1631597, MONDO:0011484, OMIM 604772.

Allele frequency attached by ClinVar (database versions not stated): ExAC 0.00001; gnomAD exomes 0.00001; TOPMed 0.00001; gnomAD 0.00002 and 0.00003; 1000 Genomes Project 30x 0.00016; 1000 Genomes Project 0.00020.
gnomAD v4.1: 13 of 1,611,520 alleles (0.00081%); highest among the groups gnomAD compares: Middle Eastern, 0.017%; no homozygotes.

Submissions (6):

Labcorp Genetics (formerly Invitae), Labcorp
Classification: Uncertain significance for Catecholaminergic polymorphic ventricular tachycardia 1. Last evaluated: 2025-12-23. Review status: criteria provided, single submitter. Criteria: Invitae Variant Classification Sherloc (09022015). Collection method: clinical testing. Allele origin: germline.
Comment: This sequence change affects codon 538 of the RYR2 mRNA. It is a 'silent' change, meaning that it does not change the encoded amino acid sequence of the RYR2 protein. This variant is present in population databases (rs566885717, gnomAD 0.0009%). This variant has not been reported in the literature in individuals affected with RYR2-related conditions. ClinVar contains an entry for this variant (Variation ID: 201218). Algorithms developed to predict the effect of sequence changes on RNA splicing suggest that this variant may create or strengthen a splice site. In summary, the available evidence is currently insufficient to determine the role of this variant in disease. Therefore, it has been classified as a Variant of Uncertain Significance.

Molecular Diagnostic Laboratory for Inherited Cardiovascular Disease, Montreal Heart Institute
Classification: Uncertain significance for Cardiovascular phenotype. Last evaluated: 2025-07-24. Review status: criteria provided, single submitter. Criteria: ACMG Guidelines, 2015. Collection method: clinical testing. Allele origin: germline. Affected: yes.
Comment: PM2

Women's Health and Genetics/Laboratory Corporation of America, LabCorp
Classification: Uncertain significance. Last evaluated: 2025-07-02. Review status: criteria provided, single submitter. Criteria: LabCorp Variant Classification Summary - May 2015. Collection method: clinical testing. Allele origin: germline.
Comment: Variant summary: RYR2 c.1614G>A (p.Ala538Ala) alters a conserved nucleotide located close to a canonical splice site and therefore could affect mRNA splicing, leading to a significantly altered protein sequence. Several computational tools predict a significant impact on normal splicing: Two predict the variant weakens a 3' acceptor site. Three predict the variant creates a 3' acceptor site. However, these predictions have yet to be confirmed by functional studies. The variant allele was found at a frequency of 8e-06 in 248480 control chromosomes. The available data on variant occurrences in the general population are insufficient to allow any conclusion about variant significance. To our knowledge, no occurrence of c.1614G>A in individuals affected with Catecholaminergic Polymorphic Ventricular Tachycardia and no experimental evidence demonstrating its impact on protein function have been reported. ClinVar contains an entry for this variant (Variation ID: 201218). Based on the evidence outlined above, the variant was classified as uncertain significance.

All of Us Research Program, National Institutes of Health
Classification: Uncertain significance for Catecholaminergic polymorphic ventricular tachycardia. Last evaluated: 2024-04-25. Review status: criteria provided, single submitter. Criteria: ACMG Guidelines, 2015. Collection method: clinical testing. Allele origin: germline. Inheritance: Autosomal dominant inheritance. Observed: 7 variant alleles, 7 heterozygotes.
Comment: This synonymous variant does not change the amino acid sequence of the RYR2 protein. Splice site prediction tools suggest that this variant may impact RNA splicing. However, this prediction has not been confirmed in published RNA studies. This variant has not been reported in individuals affected with cardiovascular disorders in the literature. This variant has been identified in 2/248480 chromosomes in the general population by the Genome Aggregation Database (gnomAD). The available evidence is insufficient to determine the role of this variant in disease conclusively. Therefore, this variant is classified as a Variant of Uncertain Significance.

This study involves interpretation of variants in research participants for the purpose of population health screening. Participant phenotype was not available at the time of variant classification. Additional details can be found in publication PMID: 35346344, PMCID: PMC8962531

Color Diagnostics, LLC DBA Color Health
Classification: Uncertain significance for Cardiomyopathy. Last evaluated: 2024-04-16. Review status: criteria provided, single submitter. Criteria: ACMG Guidelines, 2015. Collection method: clinical testing. Allele origin: germline.
Comment: This synonymous variant does not change the amino acid sequence of the RYR2 protein. Splice site prediction tools suggest that this variant may impact RNA splicing. However, this prediction has not been confirmed in published RNA studies. This variant has not been reported in individuals affected with cardiovascular disorders in the literature. This variant has been identified in 2/248480 chromosomes in the general population by the Genome Aggregation Database (gnomAD). The available evidence is insufficient to determine the role of this variant in disease conclusively. Therefore, this variant is classified as a Variant of Uncertain Significance.

Ambry Genetics
Classification: Likely benign for Cardiovascular phenotype. Last evaluated: 2016-12-09. Review status: criteria provided, single submitter. Criteria: Ambry Variant Classification Scheme 2023. Collection method: clinical testing. Allele origin: germline.